The following is an entry in ClinVar:

ClinVar aggregate classification (germline): Uncertain significance (1 of 4 stars; one submission).

Submission:

GeneDx
Classification: Uncertain significance. Last evaluated: 2024-11-15. Review status: criteria provided, single submitter. Criteria: GeneDx Variant Classification Process June 2021. Collection method: clinical testing. Allele origin: germline. Affected: yes.
Comment: Not observed at significant frequency in large population cohorts (gnomAD); In silico analysis indicates that this missense variant does not alter protein structure/function; Has not been previously published as pathogenic or benign to our knowledge

NM_001127222.2(CACNA1A):c.1207A>T (p.Ile403Phe)

Gene: CACNA1A (calcium voltage-gated channel subunit alpha1 A; minus strand). Cytogenetic location: 19p13.13.
Variant type: single nucleotide variant.
Coding change: c.1207A>T on transcript NM_001127222.2 (MANE Select); coding-DNA position 1207, A replaced by T.
Protein change: p.Ile403Phe; replaces isoleucine 403 with phenylalanine.
Molecular consequence: missense variant.
Genome position (GRCh38, 1-based): chr19:13,332,917, T>A on the plus strand (A>T on the coding strand, the complement: CACNA1A is on the minus strand). VCF-style: chr19-13332917-T-A. GRCh37 (hg19) VCF-style: chr19-13443731-T-A.
Other names: c.1207A>T, p.Ile403Phe (NM_000068.4, NM_001127221.2, NM_001174080.2 and 1 more transcripts); short protein forms I403F.
Identifiers: ClinVar variation 3899791 (VCV003899791.1).